The following is an entry in ClinVar:

ClinVar aggregate classification (germline): Uncertain significance. Review status: criteria provided, multiple submitters, no conflicts (2 of 4 stars). 2 submissions from 2 submitters: Uncertain significance (2). Last evaluated 2022-08-17.

Conditions:
Retinitis pigmentosa 39 (RP39). Identifiers: Orphanet 791, MedGen C3151138, MONDO:0013436, OMIM 613809.
Usher syndrome type 2A. Also called: USHER SYNDROME, TYPE IIA; RETINAL DISEASE IN USHER SYNDROME TYPE IIA, MODIFIER OF. Identifiers: Orphanet 231178, Orphanet 886, MedGen C1848634, MONDO:0010169, OMIM 276901.

Allele frequency attached by ClinVar (database versions not stated): gnomAD exomes below 0.00001 and 0.00001; gnomAD 0.00001; 1000 Genomes Project 30x 0.00016; 1000 Genomes Project 0.00020.
gnomAD v4.1: 12 of 1,614,222 alleles (0.00074%); highest among the groups gnomAD compares: African/African-American, 0.004%; no homozygotes.

Submissions (2):

Department of Pathology and Laboratory Medicine, Sinai Health System
Classification: Uncertain significance for Usher syndrome type 2A; Retinitis pigmentosa 39. Last evaluated: 2022-08-17. Review status: criteria provided, single submitter. Criteria: ACMG Guidelines, 2015. Collection method: research. Allele origin: germline.

Labcorp Genetics (formerly Invitae), Labcorp
Classification: Uncertain significance. Last evaluated: 2022-07-19. Review status: criteria provided, single submitter. Criteria: Invitae Variant Classification Sherloc (09022015). Collection method: clinical testing. Allele origin: germline.
Comment: This sequence change replaces serine, which is neutral and polar, with glycine, which is neutral and non-polar, at codon 5032 of the USH2A protein (p.Ser5032Gly). This variant is present in population databases (rs112798365, gnomAD 0.007%). This variant has not been reported in the literature in individuals affected with USH2A-related conditions. ClinVar contains an entry for this variant (Variation ID: 1523967). Algorithms developed to predict the effect of missense changes on protein structure and function are either unavailable or do not agree on the potential impact of this missense change (SIFT: "Deleterious"; PolyPhen-2: "Benign"; Align-GVGD: "Class C0"). In summary, the available evidence is currently insufficient to determine the role of this variant in disease. Therefore, it has been classified as a Variant of Uncertain Significance.

NM_206933.4(USH2A):c.15094A>G (p.Ser5032Gly)

Gene: USH2A (usherin; minus strand). Cytogenetic location: 1q41.
Variant type: single nucleotide variant.
Coding change: c.15094A>G on transcript NM_206933.4 (MANE Select); coding-DNA position 15094, A replaced by G.
Protein change: p.Ser5032Gly; replaces serine 5032 with glycine.
Molecular consequence: missense variant.
Genome position (GRCh38, 1-based): chr1:215,634,662, T>C on the plus strand (A>G on the coding strand, the complement: USH2A is on the minus strand). VCF-style: chr1-215634662-T-C. GRCh37 (hg19) VCF-style: chr1-215808004-T-C.
Other names: short protein forms S5032G.
Identifiers: ClinVar variation 1523967 (VCV001523967.4), dbSNP rs112798365, ClinGen allele CA1392792.
Genomic context (GRCh38, chr1:215,634,662, plus strand): 5'-AGCCCAGCATCGCCATTAACACTATGAACCACAGCTCGCTGTAGAACTCTGTGCTTTTGC[T>C]CCGCGATCCCTTCTTTTTCCCAGGAGTTGTTAGGACCAAGCCTGCAAAACCCAGAGAAAG-3'
Protein context (NP_996816.3, residues 5022-5042): TTPGKKKGSR[Ser5032Gly]KSTEFYSELW